The following is an entry in ClinVar:

ClinVar aggregate classification (germline): Likely pathogenic (1 of 4 stars; one submission).

Conditions:
Anemia, nonspherocytic hemolytic, due to G6PD deficiency (CNSHA1). Also called: Hemolytic anemia due to G6PD deficiency; Class I glucose-6-phosphate dehydrogenase deficiency; Favism, susceptibility to; ANEMIA, CONGENITAL, NONSPHEROCYTIC HEMOLYTIC, 1. Identifiers: Orphanet 466026, MedGen C2720289, MONDO:0010480, OMIM 300908.

Allele frequency attached by ClinVar (database versions not stated): gnomAD 0.00001; gnomAD exomes 0.00001; TOPMed 0.00001.

Submission:

Labcorp Genetics (formerly Invitae), Labcorp
Classification: Likely pathogenic for Anemia, nonspherocytic hemolytic, due to G6PD deficiency. Last evaluated: 2025-04-02. Review status: criteria provided, single submitter. Criteria: Invitae Variant Classification Sherloc (09022015). Collection method: clinical testing. Allele origin: germline.
Comment: This sequence change replaces arginine, which is basic and polar, with cysteine, which is neutral and slightly polar, at codon 459 of the G6PD protein (p.Arg459Cys). This variant is not present in population databases (gnomAD no frequency). This variant has not been reported in the literature in individuals affected with G6PD-related conditions. ClinVar contains an entry for this variant (Variation ID: 1469858). Invitae Evidence Modeling of protein sequence and biophysical properties (such as structural, functional, and spatial information, amino acid conservation, physicochemical variation, residue mobility, and thermodynamic stability) indicates that this missense variant is expected to disrupt G6PD protein function with a positive predictive value of 95%. This variant disrupts the p.Arg459 amino acid residue in G6PD. Other variant(s) that disrupt this residue have been determined to be pathogenic (PMID: 1562739, 8447319, 9299858, 10643148, 23365477). This suggests that this residue is clinically significant, and that variants that disrupt this residue are likely to be disease-causing. In summary, the currently available evidence indicates that the variant is pathogenic, but additional data are needed to prove that conclusively. Therefore, this variant has been classified as Likely Pathogenic.

Literature cited by the submitters: PubMed 1562739; PubMed 8447319; PubMed 9299858; PubMed 10643148; PubMed 23365477.

NM_001360016.2(G6PD):c.1375C>T (p.Arg459Cys)

Gene: G6PD (glucose-6-phosphate dehydrogenase; minus strand). Cytogenetic location: Xq28.
Variant type: single nucleotide variant.
Coding change: c.1375C>T on transcript NM_001360016.2 (MANE Select); coding-DNA position 1375, C replaced by T.
Protein change: p.Arg459Cys; replaces arginine 459 with cysteine.
Molecular consequence: missense variant.
Genome position (GRCh38, 1-based): chrX:154,532,270, G>A on the plus strand (C>T on the coding strand, the complement: G6PD is on the minus strand). VCF-style: chrX-154532270-G-A. GRCh37 (hg19) VCF-style: chrX-153760485-G-A.
Other names: c.1465C>T, p.Arg489Cys (NM_000402.4); c.1375C>T, p.Arg459Cys (NM_001042351.3); short protein forms R459C, R489C.
Identifiers: ClinVar variation 1469858 (VCV001469858.8), dbSNP rs2070346788, ClinGen allele CA415232661.